The following is an entry in ClinVar:

ClinVar aggregate classification (germline): Pathogenic (1 of 4 stars; one submission).

Conditions:
TH-deficient dopa-responsive dystonia. Also called: Tyrosine Hydroxylase-Deficient Dopa-Responsive Dystonia; Segawa syndrome, autosomal recessive; DYT-TH. Identifiers: Orphanet 101150, MedGen C2673535, MONDO:0011551, OMIM 605407.

Submission:

Labcorp Genetics (formerly Invitae), Labcorp
Classification: Pathogenic for TH-deficient dopa-responsive dystonia. Last evaluated: 2022-09-23. Review status: criteria provided, single submitter. Criteria: Invitae Variant Classification Sherloc (09022015). Collection method: clinical testing. Allele origin: germline.
Comment: This sequence change creates a premature translational stop signal (p.Cys279Trpfs*34) in the TH gene. It is expected to result in an absent or disrupted protein product. Loss-of-function variants in TH are known to be pathogenic (PMID: 22264700, 24753243). This variant is not present in population databases (gnomAD no frequency). This variant has not been reported in the literature in individuals affected with TH-related conditions. For these reasons, this variant has been classified as Pathogenic.

Literature cited by the submitters: PubMed 22264700; PubMed 24753243.

NM_000360.4(TH):c.739_743dup (p.Cys248fs)

Gene: TH (tyrosine hydroxylase; minus strand). Cytogenetic location: 11p15.5.
Variant type: Duplication.
Coding change: c.739_743dup on transcript NM_000360.4 (MANE Select); coding-DNA positions 739 to 743, 5 bases duplicated (GCCTG; older notation c.739_743dupGCCTG).
Protein change: p.Cys248fs; shifts the reading frame from cysteine 248.
Molecular consequence: frameshift variant.
Genome position (GRCh38, 1-based): chr11:2,166,985-2,166,989, CAGGC duplicated on the plus strand (GCCTG on the coding strand, the reverse complement: TH is on the minus strand). VCF-style (leftmost placement, unchanged base first): chr11-2166984-G-GCAGGC. GRCh37 (hg19) VCF-style: chr11-2188214-G-GCAGGC.
Other names: c.832_836dup, p.Cys279fs (NM_199292.3); c.820_824dup, p.Cys275fs (NM_199293.3); short protein forms C248fs, C275fs, C279fs.
Identifiers: ClinVar variation 2114831 (VCV002114831.4), dbSNP rs2495806338, ClinGen allele CA2580082591.
Genomic context (GRCh38, chr11:2,166,984, plus strand): 5'-ATTGTCTTCCCGGTAGCCGCTGAAGCGCTCCAGCAAAGCAAAGGCCTCCAGGTGCTCCCC[G>GCAGGC]CAGGCGTGCGTGGCGTAGAGGCCCTTCAGCGTGGTGTAGACCTCCTTCCTGCGGGCAGCC-3'